The following is an entry in ClinVar:

NM_053013.4(ENO3):c.613A>G (p.Thr205Ala)

Gene: ENO3 (enolase 3; plus strand). Cytogenetic location: 17p13.2.
Variant type: single nucleotide variant.
Coding change: c.613A>G on transcript NM_053013.4 (MANE Select); coding-DNA position 613, A replaced by G.
Protein change: p.Thr205Ala; replaces threonine 205 with alanine.
Molecular consequence: missense variant.
Genome position (GRCh38, 1-based): chr17:4,955,243, A>G. VCF-style: chr17-4955243-A-G. GRCh37 (hg19) VCF-style: chr17-4858538-A-G.
Other names: c.484A>G, p.Thr162Ala (NM_001193503.2); c.613A>G, p.Thr205Ala (NM_001374523.1, NM_001976.5); c.640A>G, p.Thr214Ala (NM_001374524.1); short protein forms T214A, T162A, T205A.
Identifiers: ClinVar variation 2185911 (VCV002185911.4), dbSNP rs553807266, ClinGen allele CA8316361.
Genomic context (GRCh38, chr17:4,955,243, plus strand): 5'-GGCGCCGAGGTCTACCACCACCTCAAGGGGGTCATCAAGGCCAAGTATGGGAAGGATGCC[A>G]CCAATGTGGGTGATGAAGGTGGCTTCGCACCCAACATCCTGGAGAACAATGAGGGTCAGT-3'
Protein context (NP_443739.3, residues 195-215): VIKAKYGKDA[Thr205Ala]NVGDEGGFAP

ClinVar aggregate classification (germline): Uncertain significance (1 of 4 stars; one submission).

Conditions:
Glycogen storage disease due to muscle beta-enolase deficiency (GSD13). Also called: ENOLASE 3 DEFICIENCY; ENOLASE-BETA DEFICIENCY; GSD XIII; Glycogen Storage Disease Type XIII. Identifiers: Orphanet 99849, MedGen C2752027, MONDO:0013046, OMIM 612932.

Allele frequency attached by ClinVar (database versions not stated): gnomAD 0.00001; gnomAD exomes 0.00001; TOPMed 0.00001; ExAC 0.00002; 1000 Genomes Project 0.00020; 1000 Genomes Project 30x 0.00031.

Submission:

Labcorp Genetics (formerly Invitae), Labcorp
Classification: Uncertain significance for Glycogen storage disease due to muscle beta-enolase deficiency. Last evaluated: 2022-06-07. Review status: criteria provided, single submitter. Criteria: Invitae Variant Classification Sherloc (09022015). Collection method: clinical testing. Allele origin: germline.
Comment: This sequence change replaces threonine, which is neutral and polar, with alanine, which is neutral and non-polar, at codon 205 of the ENO3 protein (p.Thr205Ala). This variant is present in population databases (rs553807266, gnomAD 0.01%). This variant has not been reported in the literature in individuals affected with ENO3-related conditions. Algorithms developed to predict the effect of missense changes on protein structure and function are either unavailable or do not agree on the potential impact of this missense change (SIFT: "Tolerated"; PolyPhen-2: "Probably Damaging"; Align-GVGD: "Class C0"). In summary, the available evidence is currently insufficient to determine the role of this variant in disease. Therefore, it has been classified as a Variant of Uncertain Significance.